The following is an entry in ClinVar:

NM_000211.5(ITGB2):c.494G>A (p.Arg165His)

Gene: ITGB2 (integrin subunit beta 2; minus strand). Cytogenetic location: 21q22.3.
Variant type: single nucleotide variant.
Coding change: c.494G>A on transcript NM_000211.5 (MANE Select); coding-DNA position 494, G replaced by A.
Protein change: p.Arg165His; replaces arginine 165 with histidine.
Molecular consequence: missense variant.
Genome position (GRCh38, 1-based): chr21:44,903,370, C>T on the plus strand (G>A on the coding strand, the complement: ITGB2 is on the minus strand). VCF-style: chr21-44903370-C-T. GRCh37 (hg19) VCF-style: chr21-46323285-C-T.
Other names: c.494G>A, p.Arg165His (NM_001127491.3); c.287G>A, p.Arg96His (NM_001303238.2); short protein forms R96H, R165H.
Identifiers: ClinVar variation 2088629 (VCV002088629.1), dbSNP rs776811628, ClinGen allele CA10063205.
Genomic context (GRCh38, chr21:44,903,370, plus strand): 5'-AGTGGCCAGGGTCTGGGAAAGGACTGGGTTTTGTCCTGCAGTGCCTGGGCCTCACCAATG[C>T]GGCCGGACTCGGTGATCTCGTTGAGGGCCCGGAGCAGGTCGCCACCTAGCTTCTTGACAT-3'
Protein context (NP_000202.3, residues 155-175): RALNEITESG[Arg165His]IGFGSFVDKT

ClinVar aggregate classification (germline): Uncertain significance (1 of 4 stars; one submission).

Conditions:
Leukocyte adhesion deficiency 1 (LAD1). Also called: LAD 1; Lymphocyte function-associated antigen 1 immunodeficiency; LFA 1 immunodeficiency; LEUKOCYTE ADHESION DEFICIENCY, TYPE I. Identifiers: Orphanet 2968, Orphanet 99842, MedGen C0398738, MONDO:0007293, OMIM 116920.

Allele frequency attached by ClinVar (database versions not stated): ExAC 0.00001; TOPMed 0.00001; gnomAD 0.00002.
gnomAD v4.1: 5 of 1,613,870 alleles (0.00031%); highest among the groups gnomAD compares: Non-Finnish European, 0.00042%; no homozygotes.

Submission:

Labcorp Genetics (formerly Invitae), Labcorp
Classification: Uncertain significance for Leukocyte adhesion deficiency 1. Last evaluated: 2022-01-21. Review status: criteria provided, single submitter. Criteria: Invitae Variant Classification Sherloc (09022015). Collection method: clinical testing. Allele origin: germline.
Comment: This sequence change replaces arginine, which is basic and polar, with histidine, which is basic and polar, at codon 165 of the ITGB2 protein (p.Arg165His). The frequency data for this variant in the population databases is considered unreliable, as metrics indicate poor data quality at this position in the gnomAD database. This variant has not been reported in the literature in individuals affected with ITGB2-related conditions. Algorithms developed to predict the effect of missense changes on protein structure and function are either unavailable or do not agree on the potential impact of this missense change (SIFT: "Deleterious"; PolyPhen-2: "Benign"; Align-GVGD: "Class C25"). In summary, the available evidence is currently insufficient to determine the role of this variant in disease. Therefore, it has been classified as a Variant of Uncertain Significance.